The following is an entry in ClinVar:

NM_001148.6(ANK2):c.2230G>A (p.Val744Ile)

Gene: ANK2 (ankyrin 2; plus strand). Cytogenetic location: 4q26.
Variant type: single nucleotide variant.
Coding change: c.2230G>A on transcript NM_001148.6 (MANE Select); coding-DNA position 2230, G replaced by A.
Protein change: p.Val744Ile; replaces valine 744 with isoleucine.
Molecular consequence: missense variant.
Genome position (GRCh38, 1-based): chr4:113,288,439, G>A. VCF-style: chr4-113288439-G-A. GRCh37 (hg19) VCF-style: chr4-114209595-G-A.
Other names: c.2167G>A, p.Val723Ile (NM_001127493.3, NM_001354239.2, NM_001354243.2 and 10 more transcripts); c.2230G>A, p.Val744Ile (NM_001354225.2, NM_001354228.2, NM_001354232.2 and 6 more transcripts); c.2275G>A, p.Val759Ile (NM_001354230.2, NM_001354231.2, NM_001354237.2 and 5 more transcripts); c.2131G>A, p.Val711Ile (NM_001354245.2, NM_001354268.2); c.2143G>A, p.Val715Ile (NM_001354249.2, NM_001354264.2, NM_001354266.2 and 10 more transcripts); c.2068G>A, p.Val690Ile (NM_001354253.2, NM_001354257.2, NM_001354270.2 and 1 more transcripts); c.2044G>A, p.Val682Ile (NM_001354260.2, NM_001354271.2, NM_001386151.1); c.2188G>A, p.Val730Ile (NM_001354261.2, NM_001386147.1, NM_001386160.1); and 8 more; short protein forms V616I, V649I, V674I, V678I, V682I, V690I, V711I, V715I.
Identifiers: ClinVar variation 3033453 (VCV003033453.2), dbSNP rs2496675307, ClinGen allele CA357917468.
Genomic context (GRCh38, chr4:113,288,439, plus strand): 5'-TATTTACAGCTTGGTTACACACCTTTAATTGTGGCCTGTCACTATGGAAATGTGAAAATG[G>A]TCAACTTTCTTCTGAAGCAGGGAGCAAATGTTAACGCAAAAACCAAGGTAAAGTACTTGT-3'
Protein context (NP_001139.3, residues 734-754): VACHYGNVKM[Val744Ile]NFLLKQGANV

ClinVar aggregate classification (germline): Uncertain significance (0 of 4 stars; one submission).

Conditions:
ANK2-related disorder. Also called: ANK2-related condition.

Submission:

PreventionGenetics, part of Exact Sciences
Classification: Uncertain significance for ANK2-related condition. Last evaluated: 2023-12-31. Review status: no assertion criteria provided. Collection method: clinical testing. Allele origin: germline.
Comment: The ANK2 c.2230G>A variant is predicted to result in the amino acid substitution p.Val744Ile. To our knowledge, this variant has not been reported in the literature or in a large population database, indicating this variant is rare. At this time, the clinical significance of this variant is uncertain due to the absence of conclusive functional and genetic evidence.